The following is an entry in ClinVar:

NM_000264.5(PTCH1):c.2287G>T (p.Val763Phe)

Genes: PTCH1 (patched 1; minus strand), LOC100507346 (uncharacterized LOC100507346; plus strand). Cytogenetic location: 9q22.32.
Variant type: single nucleotide variant.
Coding change: c.2287G>T on transcript NM_000264.5 (MANE Select); coding-DNA position 2287, G replaced by T.
Protein change: p.Val763Phe; replaces valine 763 with phenylalanine.
Molecular consequence: missense variant. On other transcripts: non-coding transcript variant (1).
Genome position (GRCh38, 1-based): chr9:95,467,389, C>A on the plus strand (G>T on the coding strand, the complement: PTCH1 is on the minus strand). VCF-style: chr9-95467389-C-A. GRCh37 (hg19) VCF-style: chr9-98229671-C-A.
Other names: c.2089G>T, p.Val697Phe (NM_001083602.3); c.2284G>T, p.Val762Phe (NM_001083603.3); c.1834G>T, p.Val612Phe (NM_001083604.3, NM_001083605.3, NM_001083606.3 and 1 more transcripts); c.2131G>T, p.Val711Phe (NM_001354918.2); c.2287G>T (NM_000264.4); short protein forms V763F, V697F, V612F, V711F, V762F.
Identifiers: ClinVar variation 524507 (VCV000524507.43), dbSNP rs544963328, ClinGen allele CA5138418.

ClinVar aggregate classification (germline): Conflicting classifications of pathogenicity. Review status: criteria provided, conflicting classifications (1 of 4 stars). 5 submissions from 5 submitters: Uncertain significance (2); Likely benign (3). Last evaluated 2025-12-22.

Conditions:
Holoprosencephaly 7 (HPE7). Identifiers: Orphanet 2162, MedGen C1835820, MONDO:0012562, OMIM 610828.
Basal cell carcinoma, susceptibility to, 1. Also called: BCC1. Identifiers: MedGen C2751544, MONDO:0011556, OMIM 605462.
Gorlin syndrome. Also called: Nevoid Basal Cell Carcinoma Syndrome; Basal cell nevus syndrome. Identifiers: Orphanet 377, MedGen C0004779, MONDO:0007187.
Hereditary cancer-predisposing syndrome. Also called: Neoplastic Syndromes, Hereditary; Hereditary Cancer Syndrome; Tumor predisposition; Hereditary neoplastic syndrome. Identifiers: Orphanet 140162, MedGen C0027672, MeSH D009386, MONDO:0015356.

Allele frequency attached by ClinVar (database versions not stated): gnomAD exomes 0.00002 and 0.00004; TOPMed 0.00002; ExAC 0.00005; 1000 Genomes Project 30x 0.00016; 1000 Genomes Project 0.00020; gnomAD 0.00001.
gnomAD v4.1: 33 of 1,614,132 alleles (0.002%); highest among the groups gnomAD compares: Middle Eastern, 0.017%; no homozygotes.

Submissions (5):

Labcorp Genetics (formerly Invitae), Labcorp
Classification: Likely benign for Gorlin syndrome. Last evaluated: 2025-12-22. Review status: criteria provided, single submitter. Criteria: Invitae Variant Classification Sherloc (09022015). Collection method: clinical testing. Allele origin: germline.

CeGaT Center for Human Genetics Tuebingen
Classification: Likely benign. Last evaluated: 2025-03-01. Review status: criteria provided, single submitter. Criteria: CeGaT Center For Human Genetics Tuebingen Variant Classification Criteria Version 2. Collection method: clinical testing. Allele origin: germline. Affected: yes. Observed: 2 variant alleles.
Comment: PTCH1: BS1

Ambry Genetics
Classification: Likely benign for Hereditary cancer-predisposing syndrome. Last evaluated: 2023-06-29. Review status: criteria provided, single submitter. Criteria: Ambry Variant Classification Scheme 2023. Collection method: clinical testing. Allele origin: germline.

Quest Diagnostics Nichols Institute San Juan Capistrano
Classification: Uncertain significance. Last evaluated: 2022-10-06. Review status: criteria provided, single submitter. Criteria: Quest Diagnostics criteria. Collection method: clinical testing. Allele origin: unknown.
Comment: To the best of our knowledge, the variant has not been reported in the published literature. The frequency of this variant in the general population, 0.00023 (7/30614 chromosomes in South Asian subpopulation), is higher than would generally be expected for pathogenic variants in this gene. Analysis of this variant using bioinformatics tools for the prediction of the effect of amino acid changes on protein structure and function yielded conflicting predictions that this variant is deleterious or benign. Based on the available information, we are unable to determine the clinical significance of this variant.

Fulgent Genetics
Classification: Uncertain significance for Basal cell nevus syndrome 1; Basal cell carcinoma, susceptibility to, 1; Holoprosencephaly 7. Last evaluated: 2018-10-31. Review status: criteria provided, single submitter. Criteria: ACMG Guidelines, 2015. Collection method: clinical testing. Allele origin: unknown.